The following is an entry in ClinVar:

ClinVar aggregate classification (germline): Uncertain significance (1 of 4 stars; one submission).

Conditions:
Epidermolysis bullosa simplex with nail dystrophy (EBS5D). Identifiers: MedGen C4225309, MONDO:0014661, OMIM 616487.
Epidermolysis bullosa simplex 5B, with muscular dystrophy (EBS5B). Also called: EPIDERMOLYSIS BULLOSA SIMPLEX AND LIMB-GIRDLE MUSCULAR DYSTROPHY; Epidermolysis bullosa simplex with muscular dystrophy. Identifiers: Orphanet 257, MedGen C2931072, MONDO:0009181, OMIM 226670.
Epidermolysis bullosa simplex 5C, with pyloric atresia (EBS5C). Also called: PLEC-Related Epidermolysis Bullosa with Pyloric Atresia; Epidermolysis bullosa simplex with pyloric atresia; PLEC1-Related Epidermolysis Bullosa with Pyloric Atresia. Identifiers: Orphanet 158684, MedGen C2677349, MONDO:0012807, OMIM 612138.
Autosomal recessive limb-girdle muscular dystrophy type 2Q (LGMDR17). Also called: MUSCULAR DYSTROPHY, LIMB-GIRDLE, AUTOSOMAL RECESSIVE 17. Identifiers: Orphanet 254361, MedGen C3150989, MONDO:0013390, OMIM 613723.
Epidermolysis bullosa simplex, Ogna type (EBS5A). Also called: Pidermolysis bullosa simplex 5A, Ogna type; EPIDERMOLYSIS BULLOSA SIMPLEX 5A, OGNA TYPE. Identifiers: Orphanet 79401, MedGen C0432317, MONDO:0007555, OMIM 131950.

Allele frequency attached by ClinVar (database versions not stated): gnomAD exomes below 0.00001; TOPMed below 0.00001; gnomAD 0.00001.

Submission:

Labcorp Genetics (formerly Invitae), Labcorp
Classification: Uncertain significance for Autosomal recessive limb-girdle muscular dystrophy type 2Q; Epidermolysis bullosa simplex, Ogna type; Epidermolysis bullosa simplex with nail dystrophy; Epidermolysis bullosa simplex 5C, with pyloric atresia; Epidermolysis bullosa simplex 5B, with muscular dystrophy. Last evaluated: 2023-07-27. Review status: criteria provided, single submitter. Criteria: Invitae Variant Classification Sherloc (09022015). Collection method: clinical testing. Allele origin: germline.
Comment: In summary, the available evidence is currently insufficient to determine the role of this variant in disease. Therefore, it has been classified as a Variant of Uncertain Significance. Experimental studies and prediction algorithms are not available or were not evaluated, and the functional significance of this variant is currently unknown. This variant has not been reported in the literature in individuals affected with PLEC-related conditions. This variant is not present in population databases (gnomAD no frequency). This variant, c.6721_6729del, results in the deletion of 3 amino acid(s) of the PLEC protein (p.Ala2241_Ala2243del), but otherwise preserves the integrity of the reading frame.

NM_201384.3(PLEC):c.6640_6648del (p.Ala2214_Ala2216del)

Gene: PLEC (plectin; minus strand). Cytogenetic location: 8q24.3.
Variant type: Deletion.
Coding change: c.6640_6648del on transcript NM_201384.3 (MANE Select); coding-DNA positions 6640 to 6648, 9 bases deleted (GCGGAGGCC; older notation c.6640_6648delGCGGAGGCC).
Protein change: p.Ala2214_Ala2216del.
Molecular consequence: inframe deletion. On other transcripts: intron variant (1).
Genome position (GRCh38, 1-based): chr8:143,923,281-143,923,289, GGCCTCCGC deleted on the plus strand (GCGGAGGCC on the coding strand, the reverse complement: PLEC is on the minus strand). VCF-style (leftmost placement, unchanged base first): chr8-143923280-TGGCCTCCGC-T. GRCh37 (hg19) VCF-style: chr8-144997448-TGGCCTCCGC-T.
Other names: c.6721_6729del, p.Ala2241_Ala2243del (NM_000445.5); c.6598_6606del, p.Ala2200_Ala2202del (NM_201378.4); c.6574_6582del, p.Ala2192_Ala2194del (NM_201379.3); c.7051_7059del, p.Ala2351_Ala2353del (NM_201380.4); c.6544_6552del, p.Ala2182_Ala2184del (NM_201381.3); c.6640_6648del, p.Ala2214_Ala2216del (NM_201382.4); c.6652_6660del, p.Ala2218_Ala2220del (NM_201383.3); c.4126-894_4126-886del (NM_001410941.1).
Identifiers: ClinVar variation 2927370 (VCV002927370.3), dbSNP rs1564018502, ClinGen allele CA918389988.